The following is an entry in ClinVar:

NM_005159.5(ACTC1):c.717G>A (p.Glu239=)

Genes: ACTC1 (actin alpha cardiac muscle 1; minus strand), GJD2-DT (GJD2 divergent transcript; plus strand). Cytogenetic location: 15q14.
Variant type: single nucleotide variant.
Coding change: c.717G>A on transcript NM_005159.5 (MANE Select); coding-DNA position 717, G replaced by A.
Protein change: p.Glu239=; no amino-acid change (glutamic acid 239 retained).
Molecular consequence: synonymous variant.
Genome position (GRCh38, 1-based): chr15:34,792,181, C>T on the plus strand (G>A on the coding strand, the complement: ACTC1 is on the minus strand). VCF-style: chr15-34792181-C-T. GRCh37 (hg19) VCF-style: chr15-35084382-C-T.
Other names: c.717G>A (LRG_388t1).
Identifiers: ClinVar variation 629731 (VCV000629731.40), dbSNP rs369019849, ClinGen allele CA042569.

ClinVar aggregate classification (germline): Likely benign. Review status: criteria provided, multiple submitters, no conflicts (2 of 4 stars). 6 submissions from 6 submitters: Likely benign (6). Last evaluated 2026-01-31.

Conditions:
Hypertrophic cardiomyopathy. Also called: HYPERTROPHIC MYOCARDIOPATHY. Identifiers: Orphanet 217569, MedGen C0007194, MeSH D002312, MONDO:0005045, HP:0001639.
Cardiovascular phenotype. Identifiers: MedGen CN230736.
Atrial septal defect 5 (ASD5). Identifiers: Orphanet 1478, MedGen C2748552, MONDO:0013011, OMIM 612794.
Dilated cardiomyopathy 1R (CMD1R). Identifiers: Orphanet 154, Orphanet 54260, MedGen C3150681, MONDO:0013261, OMIM 613424.
Hypertrophic cardiomyopathy 11. Also called: ACTC1-Related Familial Hypertrophic Cardiomyopathy. Identifiers: MedGen C2677506, MONDO:0012799, OMIM 612098.
Cardiomyopathy (CMYO). Also called: Cardiomyopathies. Identifiers: Orphanet 167848, MedGen C0878544, MONDO:0004994, HP:0001638. Inheritance: Various modes of inheritance.

Allele frequency attached by ClinVar (database versions not stated): gnomAD exomes 0.00001 and 0.00006; ExAC 0.00002; gnomAD 0.00006; TOPMed 0.00006; ESP Exome Variant Server 0.00015.
gnomAD v4.1: 96 of 1,614,126 alleles (0.0059%); highest among the groups gnomAD compares: African/African-American, 0.008%; no homozygotes.

Submissions (6):

Labcorp Genetics (formerly Invitae), Labcorp
Classification: Likely benign for Dilated cardiomyopathy 1R; Hypertrophic cardiomyopathy 11; Atrial septal defect 5. Last evaluated: 2026-01-31. Review status: criteria provided, single submitter. Criteria: Invitae Variant Classification Sherloc (09022015). Collection method: clinical testing. Allele origin: germline.

All of Us Research Program, National Institutes of Health
Classification: Likely benign for Hypertrophic cardiomyopathy. Last evaluated: 2023-12-13. Review status: criteria provided, single submitter. Criteria: ACMG Guidelines, 2015. Collection method: clinical testing. Allele origin: germline. Inheritance: Autosomal dominant inheritance. Observed: 10 variant alleles, 10 heterozygotes.
Comment: This study involves interpretation of variants in research participants for the purpose of population health screening. Participant phenotype was not available at the time of variant classification. Additional details can be found in publication PMID: 35346344, PMCID: PMC8962531

Blueprint Genetics
Classification: Likely benign. Last evaluated: 2023-10-19. Review status: criteria provided, single submitter. Criteria: ACMG Guidelines, 2015. Collection method: clinical testing. Allele origin: germline.

CeGaT Center for Human Genetics Tuebingen
Classification: Likely benign. Last evaluated: 2022-09-01. Review status: criteria provided, single submitter. Criteria: CeGaT Center For Human Genetics Tuebingen Variant Classification Criteria Version 2. Collection method: clinical testing. Allele origin: germline. Affected: yes. Observed: 1 variant allele.
Comment: ACTC1: BP4, BP7

Ambry Genetics
Classification: Likely benign for Cardiovascular phenotype. Last evaluated: 2020-09-08. Review status: criteria provided, single submitter. Criteria: Ambry Variant Classification Scheme 2023. Collection method: clinical testing. Allele origin: germline.

Color Diagnostics, LLC DBA Color Health
Classification: Likely benign for Cardiomyopathy. Last evaluated: 2018-10-17. Review status: criteria provided, single submitter. Criteria: ACMG Guidelines, 2015. Collection method: clinical testing. Allele origin: germline.